The following is an entry in ClinVar:

NM_001378120.1(MBD5):c.2122A>T (p.Met708Leu)

Gene: MBD5 (methyl-CpG binding domain protein 5; plus strand). Cytogenetic location: 2q23.1.
Variant type: single nucleotide variant.
Coding change: c.2122A>T on transcript NM_001378120.1 (MANE Select); coding-DNA position 2122, A replaced by T.
Protein change: p.Met708Leu; replaces methionine 708 with leucine.
Molecular consequence: missense variant.
Genome position (GRCh38, 1-based): chr2:148,470,065, A>T. VCF-style: chr2-148470065-A-T. GRCh37 (hg19) VCF-style: chr2-149227634-A-T.
Other names: c.2122A>T, p.Met708Leu (NM_018328.5); short protein forms M708L.
Identifiers: ClinVar variation 449204 (VCV000449204.5), dbSNP rs796052721, ClinGen allele CA348721162.

ClinVar aggregate classification (germline): Uncertain significance. Review status: criteria provided, multiple submitters, no conflicts (2 of 4 stars). 2 submissions from 2 submitters: Uncertain significance (2). Last evaluated 2022-11-18.

Conditions:
Intellectual developmental disorder, autosomal dominant 1. Also called: MBD5 Haploinsufficiency; Intellectual disability, autosomal dominant 1. Identifiers: Orphanet 228402, MedGen C1969562, MONDO:0007974, OMIM 156200.

Submissions (2):

Labcorp Genetics (formerly Invitae), Labcorp
Classification: Uncertain significance for Intellectual developmental disorder, autosomal dominant 1. Last evaluated: 2022-11-18. Review status: criteria provided, single submitter. Criteria: Invitae Variant Classification Sherloc (09022015). Collection method: clinical testing. Allele origin: germline.
Comment: In summary, the available evidence is currently insufficient to determine the role of this variant in disease. Therefore, it has been classified as a Variant of Uncertain Significance. Advanced modeling of protein sequence and biophysical properties (such as structural, functional, and spatial information, amino acid conservation, physicochemical variation, residue mobility, and thermodynamic stability) performed at Invitae indicates that this missense variant is not expected to disrupt MBD5 protein function. ClinVar contains an entry for this variant (Variation ID: 449204). This variant has not been reported in the literature in individuals affected with MBD5-related conditions. This variant is not present in population databases (gnomAD no frequency). This sequence change replaces methionine, which is neutral and non-polar, with leucine, which is neutral and non-polar, at codon 708 of the MBD5 protein (p.Met708Leu).

GeneDx
Classification: Uncertain significance. Last evaluated: 2015-04-09. Review status: criteria provided, single submitter. Criteria: GeneDx Variant Classification (06012015). Collection method: clinical testing. Allele origin: germline. Affected: yes.
Comment: A variant of unknown significance has been identified in the MBD5 gene. The M708L variant has not been published as a pathogenic variant, nor has it been reported as a benign polymorphism to our knowledge. It was not observed in approximately 6,500 individuals of European and African American ancestry in the NHLBI Exome Sequencing Project, indicating it is not a common benign variant in these populations. This substitution occurs at a position that is conserved across species; however, Leucine is observed at this position in evolution. The M708L variant is a conservative amino acid substitution, which is not likely to impact secondary protein structure as these residues share similar properties. Additionally, to our knowledge, only loss-of-function mutations in MBD5 have been published in association with epilepsy. In silico analysis is inconsistent in its predictions as to whether or not the variant is damaging to the protein structure/function. Therefore, based on the currently available information, it is unclear whether this variant is a pathogenic variant or a rare benign variant